The following is an entry in ClinVar:

NM_001365951.3(KIF1B):c.2672G>A (p.Gly891Glu)

Gene: KIF1B (kinesin family member 1B; plus strand). Cytogenetic location: 1p36.22.
Variant type: single nucleotide variant.
Coding change: c.2672G>A on transcript NM_001365951.3 (MANE Select); coding-DNA position 2672, G replaced by A.
Protein change: p.Gly891Glu; replaces glycine 891 with glutamic acid.
Molecular consequence: missense variant.
Genome position (GRCh38, 1-based): chr1:10,324,892, G>A. VCF-style: chr1-10324892-G-A. GRCh37 (hg19) VCF-style: chr1-10384950-G-A.
Other names: c.2672G>A, p.Gly891Glu (NM_001365952.1); c.2534G>A, p.Gly845Glu (NM_015074.3); short protein forms G891E, G845E.
Identifiers: ClinVar variation 2147119 (VCV002147119.6), dbSNP rs1379489043, ClinGen allele CA338335848.

ClinVar aggregate classification (germline): Uncertain significance. Review status: criteria provided, multiple submitters, no conflicts (2 of 4 stars). 3 submissions from 3 submitters: Uncertain significance (3). Last evaluated 2025-06-18.

Conditions:
KIF1B-related disorder. Also called: KIF1B-related condition.
Charcot-Marie-Tooth disease type 2. Also called: Charcot-Marie-Tooth type 2. Identifiers: Orphanet 64746, MedGen C0270914, MONDO:0018993.

Allele frequency attached by ClinVar (database versions not stated): gnomAD exomes 0.00002.
gnomAD v4.1: 14 of 1,613,990 alleles (0.00087%); highest among the groups gnomAD compares: Non-Finnish European, 0.0011%; no homozygotes.

Submissions (3):

PreventionGenetics, part of Exact Sciences
Classification: Uncertain significance for KIF1B-related condition. Last evaluated: 2025-06-18. Review status: criteria provided, single submitter. Criteria: ACMG Guidelines, 2015. Collection method: clinical testing. Allele origin: germline.
Comment: The KIF1B c.2534G>A variant is predicted to result in the amino acid substitution p.Gly845Glu. To our knowledge, this variant has not been reported in the literature or in a large population database (gnomAD), indicating this variant is rare. At this time, the clinical significance of this variant is uncertain due to the absence of conclusive functional and genetic evidence.

Ambry Genetics
Classification: Uncertain significance. Last evaluated: 2024-02-11. Review status: criteria provided, single submitter. Criteria: Ambry Variant Classification Scheme 2023. Collection method: clinical testing. Allele origin: germline.
Comment: The p.G845E variant (also known as c.2534G>A), located in coding exon 23 of the KIF1B gene, results from a G to A substitution at nucleotide position 2534. The glycine at codon 845 is replaced by glutamic acid, an amino acid with similar properties. This amino acid position is conserved. In addition, this alteration is predicted to be deleterious by in silico analysis. Based on the available evidence, the clinical significance of this alteration remains unclear.

Labcorp Genetics (formerly Invitae), Labcorp
Classification: Uncertain significance for Charcot-Marie-Tooth disease type 2. Last evaluated: 2022-06-12. Review status: criteria provided, single submitter. Criteria: Invitae Variant Classification Sherloc (09022015). Collection method: clinical testing. Allele origin: germline.
Comment: In summary, the available evidence is currently insufficient to determine the role of this variant in disease. Therefore, it has been classified as a Variant of Uncertain Significance. Algorithms developed to predict the effect of missense changes on protein structure and function are either unavailable or do not agree on the potential impact of this missense change (SIFT: "Deleterious"; PolyPhen-2: "Probably Damaging"; Align-GVGD: "Class C0"). This variant has not been reported in the literature in individuals affected with KIF1B-related conditions. This sequence change replaces glycine, which is neutral and non-polar, with glutamic acid, which is acidic and polar, at codon 845 of the KIF1B protein (p.Gly845Glu). This variant is not present in population databases (gnomAD no frequency).